The following is an entry in ClinVar:

NM_005862.3(STAG1):c.1816A>G (p.Thr606Ala)

Gene: STAG1 (STAG1 cohesin complex component; minus strand). Cytogenetic location: 3q22.3.
Variant type: single nucleotide variant.
Coding change: c.1816A>G on transcript NM_005862.3 (MANE Select); coding-DNA position 1816, A replaced by G.
Protein change: p.Thr606Ala; replaces threonine 606 with alanine.
Molecular consequence: missense variant.
Genome position (GRCh38, 1-based): chr3:136,422,785, T>C on the plus strand (A>G on the coding strand, the complement: STAG1 is on the minus strand). VCF-style: chr3-136422785-T-C. GRCh37 (hg19) VCF-style: chr3-136141627-T-C.
Other names: short protein forms T606A.
Identifiers: ClinVar variation 1975146 (VCV001975146.6), dbSNP rs2530396963, ClinGen allele CA354644611.

ClinVar aggregate classification (germline): Uncertain significance. Review status: criteria provided, multiple submitters, no conflicts (2 of 4 stars). 2 submissions from 2 submitters: Uncertain significance (2). Last evaluated 2024-10-07.

Conditions:
Intellectual developmental disorder, autosomal dominant 47. Also called: Intellectual disability, autosomal dominant 47; MENTAL RETARDATION, AUTOSOMAL DOMINANT 47. Identifiers: Orphanet 502434, MedGen C4539951, MONDO:0030912, OMIM 617635.

Submissions (2):

Laboratorio de Genetica e Diagnostico Molecular, Hospital Israelita Albert Einstein
Classification: Uncertain significance for Intellectual developmental disorder, autosomal dominant 47. Last evaluated: 2024-10-07. Review status: criteria provided, single submitter. Criteria: ACMG Guidelines, 2015. Collection method: clinical testing. Allele origin: germline. Affected: yes.
Comment: ACMG classification criteria: PM2 supporting, PP2 supporting, BP4 supporting

Labcorp Genetics (formerly Invitae), Labcorp
Classification: Uncertain significance. Last evaluated: 2022-05-08. Review status: criteria provided, single submitter. Criteria: Invitae Variant Classification Sherloc (09022015). Collection method: clinical testing. Allele origin: germline.
Comment: This sequence change replaces threonine, which is neutral and polar, with alanine, which is neutral and non-polar, at codon 606 of the STAG1 protein (p.Thr606Ala). This variant is not present in population databases (gnomAD no frequency). This variant has not been reported in the literature in individuals affected with STAG1-related conditions. Advanced modeling of protein sequence and biophysical properties (such as structural, functional, and spatial information, amino acid conservation, physicochemical variation, residue mobility, and thermodynamic stability) performed at Invitae indicates that this missense variant is not expected to disrupt STAG1 protein function. In summary, the available evidence is currently insufficient to determine the role of this variant in disease. Therefore, it has been classified as a Variant of Uncertain Significance.